The following is an entry in ClinVar:

NM_015466.4(PTPN23):c.3332G>C (p.Arg1111Pro)

Gene: PTPN23 (protein tyrosine phosphatase non-receptor type 23; plus strand). Cytogenetic location: 3p21.31.
Variant type: single nucleotide variant.
Coding change: c.3332G>C on transcript NM_015466.4 (MANE Select); coding-DNA position 3332, G replaced by C.
Protein change: p.Arg1111Pro; replaces arginine 1111 with proline.
Molecular consequence: missense variant.
Genome position (GRCh38, 1-based): chr3:47,411,130, G>C. VCF-style: chr3-47411130-G-C. GRCh37 (hg19) VCF-style: chr3-47452620-G-C.
Other names: c.2954G>C, p.Arg985Pro (NM_001304482.2); short protein forms R985P, R1111P.
Identifiers: ClinVar variation 1505951 (VCV001505951.4), dbSNP rs1369387943, ClinGen allele CA352561723.
Genomic context (GRCh38, chr3:47,411,130, plus strand): 5'-CTCCAGGGCCTGGTCCGGTACCCCCTCGCCCCCCAGCAGCAGAACCACCCCCTTGCCTGC[G>C]CCGAGGCGCCGCAGCTGCAGACCTGCTCTCCTCCAGCCCGGAGAGCCAGCATGGCGGCAC-3'
Protein context (NP_056281.1, residues 1101-1121): PPAAEPPPCL[Arg1111Pro]RGAAAADLLS

ClinVar aggregate classification (germline): Uncertain significance (1 of 4 stars; one submission).

Allele frequency attached by ClinVar (database versions not stated): gnomAD 0.00001.
gnomAD v4.1: 3 of 1,600,594 alleles (0.00019%); highest among the groups gnomAD compares: Non-Finnish European, 0.00026%; no homozygotes.

Submission:

Labcorp Genetics (formerly Invitae), Labcorp
Classification: Uncertain significance. Last evaluated: 2023-07-23. Review status: criteria provided, single submitter. Criteria: Invitae Variant Classification Sherloc (09022015). Collection method: clinical testing. Allele origin: germline.
Comment: In summary, the available evidence is currently insufficient to determine the role of this variant in disease. Therefore, it has been classified as a Variant of Uncertain Significance. An algorithm developed to predict the effect of missense changes on protein structure and function (PolyPhen-2) suggests that this variant¬†is likely to be tolerated. ClinVar contains an entry for this variant (Variation ID: 1505951). This variant has not been reported in the literature in individuals affected with PTPN23-related conditions. This variant is not present in population databases (gnomAD no frequency). This sequence change replaces arginine, which is basic and polar, with proline, which is neutral and non-polar, at codon 1111 of the PTPN23 protein (p.Arg1111Pro).